The following is an entry in ClinVar:

NM_001278293.3(ARL6):c.104A>G (p.Asn35Ser)

Gene: ARL6 (ARF like GTPase 6; plus strand). Cytogenetic location: 3q11.2.
Variant type: single nucleotide variant.
Coding change: c.104A>G on transcript NM_001278293.3 (MANE Select); coding-DNA position 104, A replaced by G.
Protein change: p.Asn35Ser; replaces asparagine 35 with serine.
Molecular consequence: missense variant. On other transcripts: non-coding transcript variant (7).
Genome position (GRCh38, 1-based): chr3:97,768,211, A>G. VCF-style: chr3-97768211-A-G. GRCh37 (hg19) VCF-style: chr3-97487055-A-G.
Other names: c.104A>G, p.Asn35Ser (NM_001323513.2, NM_001323514.2, NM_032146.5 and 1 more transcripts); short protein forms N35S.
Identifiers: ClinVar variation 3785559 (VCV003785559.2).

ClinVar aggregate classification (germline): Uncertain significance. Review status: criteria provided, multiple submitters, no conflicts (2 of 4 stars). 2 submissions from 2 submitters: Uncertain significance (2). Last evaluated 2025-01-23.

Conditions:
ARL6-related disorder. Also called: ARL6-related condition.
Inborn genetic diseases. Identifiers: MedGen C0950123, MeSH D030342.

Submissions (2):

PreventionGenetics, part of Exact Sciences
Classification: Uncertain significance for ARL6-related condition. Last evaluated: 2025-01-23. Review status: criteria provided, single submitter. Criteria: ACMG Guidelines, 2015. Collection method: clinical testing. Allele origin: germline.
Comment: The ARL6 c.104A>G variant is predicted to result in the amino acid substitution p.Asn35Ser. To our knowledge, this variant has not been reported in the literature or in a large population database (gnomAD), indicating this variant is rare. At this time, the clinical significance of this variant is uncertain due to the absence of conclusive functional and genetic evidence.

Ambry Genetics
Classification: Uncertain significance for Inborn genetic diseases. Last evaluated: 2025-01-16. Review status: criteria provided, single submitter. Criteria: Ambry Variant Classification Scheme 2023. Collection method: clinical testing. Allele origin: germline.